The following is an entry in ClinVar:

ClinVar aggregate classification (germline): Uncertain significance (1 of 4 stars; one submission).

Conditions:
Early Myoclonic Encephalopathy. Identifiers: MedGen C0270855.

gnomAD v4.1: 58 of 1,590,878 alleles (0.0036%); highest among the groups gnomAD compares: Non-Finnish European, 0.0048%; no homozygotes.

Submission:

Labcorp Genetics (formerly Invitae), Labcorp
Classification: Uncertain significance for Early Myoclonic Encephalopathy. Last evaluated: 2025-03-13. Review status: criteria provided, single submitter. Criteria: Invitae Variant Classification Sherloc (09022015). Collection method: clinical testing. Allele origin: germline.
Comment: This sequence change replaces proline, which is neutral and non-polar, with serine, which is neutral and polar, at codon 966 of the JMJD1C protein (p.Pro966Ser). This variant is present in population databases (rs761183826, gnomAD 0.008%). This variant has not been reported in the literature in individuals affected with JMJD1C-related conditions. Invitae Evidence Modeling of protein sequence and biophysical properties (such as structural, functional, and spatial information, amino acid conservation, physicochemical variation, residue mobility, and thermodynamic stability) indicates that this missense variant is not expected to disrupt JMJD1C protein function with a negative predictive value of 80%. In summary, the available evidence is currently insufficient to determine the role of this variant in disease. Therefore, it has been classified as a Variant of Uncertain Significance.

NM_032776.3(JMJD1C):c.2896C>T (p.Pro966Ser)

Gene: JMJD1C (jumonji domain containing 1C; minus strand). Cytogenetic location: 10q21.3.
Variant type: single nucleotide variant.
Coding change: c.2896C>T on transcript NM_032776.3 (MANE Select); coding-DNA position 2896, C replaced by T.
Protein change: p.Pro966Ser; replaces proline 966 with serine.
Molecular consequence: missense variant. On other transcripts: non-coding transcript variant (1).
Genome position (GRCh38, 1-based): chr10:63,208,773, G>A on the plus strand (C>T on the coding strand, the complement: JMJD1C is on the minus strand). VCF-style: chr10-63208773-G-A. GRCh37 (hg19) VCF-style: chr10-64968533-G-A.
Other names: c.2350C>T, p.Pro784Ser (NM_001282948.2, NM_001318154.2); c.2032C>T, p.Pro678Ser (NM_001318153.2); c.2782C>T, p.Pro928Ser (NM_001322252.2); c.2239C>T, p.Pro747Ser (NM_001322254.2, NM_001322258.2); short protein forms P678S, P747S, P784S, P928S, P966S.
Identifiers: ClinVar variation 4809367 (VCV004809367.1).